The following is an entry in ClinVar:

NM_000053.4(ATP7B):c.3698_3699insTTAAA (p.Gln1233delinsHisTer)

Gene: ATP7B (ATPase copper transporting beta; minus strand). Cytogenetic location: 13q14.3.
Variant type: Insertion.
Coding change: c.3698_3699insTTAAA on transcript NM_000053.4 (MANE Select); coding-DNA positions 3698 to 3699, TTAAA inserted.
Protein change: p.Gln1233delinsHisTer.
Molecular consequence: nonsense.
Genome position: GRCh38 VCF-style: chr13-51939051-C-CTTTAA. GRCh37 (hg19) VCF-style: chr13-52513187-C-CTTTAA.
Other names: c.3077_3078insTTAAA, p.Gln1026delinsHisTer (NM_001005918.3); c.3365_3366insTTAAA, p.Gln1122delinsHisTer (NM_001243182.2); c.3464_3465insTTAAA, p.Gln1155delinsHisTer (NM_001330578.2, NM_001406527.1, NM_001406528.1); c.3446_3447insTTAAA, p.Gln1149delinsHisTer (NM_001330579.2, NM_001406531.1, NM_001406532.1); c.3698_3699insTTAAA, p.Gln1233delinsHisTer (NM_001406511.1, NM_001406512.1, NM_001406526.1); c.3692_3693insTTAAA, p.Gln1231delinsHisTer (NM_001406513.1); c.3665_3666insTTAAA, p.Gln1222delinsHisTer (NM_001406514.1); c.3644_3645insTTAAA, p.Gln1215delinsHisTer (NM_001406515.1, NM_001406516.1); and 20 more.
Identifiers: ClinVar variation 3387389 (VCV003387389.1).

ClinVar aggregate classification (germline): Pathogenic (1 of 4 stars; one submission).

Conditions:
Wilson disease (WND). Also called: Wilson's disease. Identifiers: Orphanet 905, MedGen C0019202, MONDO:0010200, OMIM 277900. Disease mechanism: loss of function.

Submission:

All of Us Research Program, National Institutes of Health
Classification: Pathogenic for Wilson disease. Last evaluated: 2024-10-02. Review status: criteria provided, single submitter. Criteria: ACMG Guidelines, 2015. Collection method: clinical testing. Allele origin: germline. Inheritance: Autosomal recessive inheritance. Observed: 1 variant allele, 1 heterozygote.
Comment: This variant causes the insertion of 5 nucleotides in exon 17 of the ATP7B gene, creating a premature translation stop signal. This variant is expected to result in an absent or non-functional protein product. This variant has not been reported in individuals affected with Wilson disease in the literature. This variant has not been identified in the general population by the Genome Aggregation Database (gnomAD). Loss of ATP7B function is a known mechanism of disease. Based on the available evidence, this variant is classified as Pathogenic.

This study involves interpretation of variants in research participants for the purpose of population health screening. Participant phenotype was not available at the time of variant classification. Additional details can be found in publication PMID: 35346344, PMCID: PMC8962531